The following is an entry in ClinVar:

NM_004727.3(SLC24A1):c.697G>A (p.Glu233Lys)

Gene: SLC24A1 (solute carrier family 24 member 1; plus strand). Cytogenetic location: 15q22.31.
Variant type: single nucleotide variant.
Coding change: c.697G>A on transcript NM_004727.3 (MANE Select); coding-DNA position 697, G replaced by A.
Protein change: p.Glu233Lys; replaces glutamic acid 233 with lysine.
Molecular consequence: missense variant.
Genome position (GRCh38, 1-based): chr15:65,624,777, G>A. VCF-style: chr15-65624777-G-A. GRCh37 (hg19) VCF-style: chr15-65917115-G-A.
Other names: c.697G>A, p.Glu233Lys (NM_001301031.1, NM_001301032.1, NM_001301033.2); short protein forms E233K.
Identifiers: ClinVar variation 1014659 (VCV001014659.6), dbSNP rs373003119, ClinGen allele CA7619793.

ClinVar aggregate classification (germline): Uncertain significance (1 of 4 stars; one submission).

Allele frequency attached by ClinVar (database versions not stated): TOPMed 0.00003; gnomAD 0.00001; gnomAD exomes 0.00002; ESP Exome Variant Server 0.00008; ExAC 0.00002.
gnomAD v4.1: 30 of 1,613,752 alleles (0.0019%); highest among the groups gnomAD compares: African/African-American, 0.0027%; no homozygotes.

Submission:

Labcorp Genetics (formerly Invitae), Labcorp
Classification: Uncertain significance. Last evaluated: 2023-08-04. Review status: criteria provided, single submitter. Criteria: Invitae Variant Classification Sherloc (09022015). Collection method: clinical testing. Allele origin: germline.
Comment: This sequence change replaces glutamic acid, which is acidic and polar, with lysine, which is basic and polar, at codon 233 of the SLC24A1 protein (p.Glu233Lys). This variant is present in population databases (rs373003119, gnomAD 0.007%). This variant has not been reported in the literature in individuals affected with SLC24A1-related conditions. ClinVar contains an entry for this variant (Variation ID: 1014659). Algorithms developed to predict the effect of missense changes on protein structure and function output the following: SIFT: "Not Available"; PolyPhen-2: "Possibly Damaging"; Align-GVGD: "Not Available". The lysine amino acid residue is found in multiple mammalian species, which suggests that this missense change does not adversely affect protein function. In summary, the available evidence is currently insufficient to determine the role of this variant in disease. Therefore, it has been classified as a Variant of Uncertain Significance.